The following is an entry in ClinVar:

NM_201525.4(ADGRG1):c.670dup (p.Asp224fs)

Gene: ADGRG1 (adhesion G protein-coupled receptor G1; plus strand). Cytogenetic location: 16q21.
Variant type: Duplication.
Coding change: c.670dup on transcript NM_201525.4 (MANE Select); coding-DNA position 670, one base duplicated (G; older notation c.670dupG).
Protein change: p.Asp224fs; shifts the reading frame from aspartic acid 224.
Molecular consequence: frameshift variant.
Genome position (GRCh38, 1-based): chr16:57,654,035, G duplicated; the last of 5 consecutive G bases (chr16:57,654,031-57,654,035); duplicating any one gives the same sequence. VCF-style (leftmost placement, unchanged base first): chr16-57654030-T-TG. GRCh37 (hg19) VCF-style: chr16-57687942-T-TG.
Other names: c.670dup, p.Asp224fs (NM_001145770.3, NM_001145771.3, NM_001145772.3 and 16 more transcripts); c.685dup, p.Asp229fs (NM_001145773.3, NM_001370433.1); c.145dup, p.Asp49fs (NM_001370451.1, NM_001370453.1, NM_001370454.1 and 2 more transcripts); c.160dup, p.Asp54fs (NM_001290142.2); c.514dup, p.Asp172fs (NM_001370442.1); short protein forms D172fs, D224fs, D229fs, D49fs, D54fs.
Identifiers: ClinVar variation 2749385 (VCV002749385.3), dbSNP rs2545232453, ClinGen allele CA2697555880.

ClinVar aggregate classification (germline): Pathogenic (1 of 4 stars; one submission).

Submission:

Labcorp Genetics (formerly Invitae), Labcorp
Classification: Pathogenic. Last evaluated: 2023-08-02. Review status: criteria provided, single submitter. Criteria: Invitae Variant Classification Sherloc (09022015). Collection method: clinical testing. Allele origin: germline.
Comment: For these reasons, this variant has been classified as Pathogenic. This variant has not been reported in the literature in individuals affected with ADGRG1-related conditions. This variant is not present in population databases (gnomAD no frequency). This sequence change creates a premature translational stop signal (p.Asp224Glyfs*62) in the ADGRG1 gene. It is expected to result in an absent or disrupted protein product. Loss-of-function variants in ADGRG1 are known to be pathogenic (PMID: 15044805, 20929962).

Literature cited by the submitters: PubMed 15044805; PubMed 20929962.